The following is an entry in ClinVar:

NM_000760.4(CSF3R):c.163C>G (p.Leu55Val)

Gene: CSF3R (colony stimulating factor 3 receptor; minus strand). Cytogenetic location: 1p34.3.
Variant type: single nucleotide variant.
Coding change: c.163C>G on transcript NM_000760.4 (MANE Select); coding-DNA position 163, C replaced by G.
Protein change: p.Leu55Val; replaces leucine 55 with valine.
Molecular consequence: missense variant.
Genome position (GRCh38, 1-based): chr1:36,475,575, G>C on the plus strand (C>G on the coding strand, the complement: CSF3R is on the minus strand). VCF-style: chr1-36475575-G-C. GRCh37 (hg19) VCF-style: chr1-36941176-G-C.
Other names: c.163C>G, p.Leu55Val (NM_156039.3, NM_172313.3); short protein forms L55V.
Identifiers: ClinVar variation 956235 (VCV000956235.9), dbSNP rs1651085213, ClinGen allele CA339425058.

ClinVar aggregate classification (germline): Uncertain significance (1 of 4 stars; one submission).

Conditions:
Autosomal recessive severe congenital neutropenia due to CSF3R deficiency. Also called: Neutropenia, severe congenital, 7, autosomal recessive. Identifiers: Orphanet 420702, MedGen C4310764, MONDO:0014865, OMIM 617014.

Allele frequency attached by ClinVar (database versions not stated): TOPMed below 0.00001; gnomAD 0.00001.
gnomAD v4.1: 11 of 1,613,330 alleles (0.00068%); highest among the groups gnomAD compares: Non-Finnish European, 0.00068%; no homozygotes.

Submission:

Labcorp Genetics (formerly Invitae), Labcorp
Classification: Uncertain significance for Autosomal recessive severe congenital neutropenia due to CSF3R deficiency. Last evaluated: 2025-11-21. Review status: criteria provided, single submitter. Criteria: Invitae Variant Classification Sherloc (09022015). Collection method: clinical testing. Allele origin: germline.
Comment: This sequence change replaces leucine, which is neutral and non-polar, with valine, which is neutral and non-polar, at codon 55 of the CSF3R protein (p.Leu55Val). This variant is not present in population databases (gnomAD no frequency). This variant has not been reported in the literature in individuals affected with CSF3R-related conditions. ClinVar contains an entry for this variant (Variation ID: 956235). Invitae Evidence Modeling of protein sequence and biophysical properties (such as structural, functional, and spatial information, amino acid conservation, physicochemical variation, residue mobility, and thermodynamic stability) indicates that this missense variant is not expected to disrupt CSF3R protein function with a negative predictive value of 80%. In summary, the available evidence is currently insufficient to determine the role of this variant in disease. Therefore, it has been classified as a Variant of Uncertain Significance.